The following is an entry in ClinVar:

ClinVar aggregate classification (germline): Uncertain significance (1 of 4 stars; one submission).

Conditions:
Hereditary cancer-predisposing syndrome. Also called: Tumor predisposition; Hereditary Cancer Syndrome; Hereditary neoplastic syndrome; Neoplastic Syndromes, Hereditary. Identifiers: Orphanet 140162, MedGen C0027672, MeSH D009386, MONDO:0015356.

Allele frequency attached by ClinVar (database versions not stated): TOPMed below 0.00001.

Submission:

Ambry Genetics
Classification: Uncertain significance for Hereditary cancer-predisposing syndrome. Last evaluated: 2023-07-05. Review status: criteria provided, single submitter. Criteria: Ambry Variant Classification Scheme 2023. Collection method: clinical testing. Allele origin: germline.
Comment: The p.L163P variant (also known as c.488T>C), located in coding exon 1 of the HOXB13 gene, results from a T to C substitution at nucleotide position 488. The leucine at codon 163 is replaced by proline, an amino acid with similar properties. This amino acid position is conserved. In addition, this alteration is predicted to be deleterious by in silico analysis. Since supporting evidence is limited at this time, the clinical significance of this alteration remains unclear.

NM_006361.6(HOXB13):c.488T>C (p.Leu163Pro)

Gene: HOXB13 (homeobox B13; minus strand). Cytogenetic location: 17q21.32.
Variant type: single nucleotide variant.
Coding change: c.488T>C on transcript NM_006361.6 (MANE Select); coding-DNA position 488, T replaced by C.
Protein change: p.Leu163Pro; replaces leucine 163 with proline.
Molecular consequence: missense variant.
Genome position (GRCh38, 1-based): chr17:48,728,106, A>G on the plus strand (T>C on the coding strand, the complement: HOXB13 is on the minus strand). VCF-style: chr17-48728106-A-G. GRCh37 (hg19) VCF-style: chr17-46805468-A-G.
Other names: short protein forms L163P.
Identifiers: ClinVar variation 2625780 (VCV002625780.2), dbSNP rs2038232317, ClinGen allele CA400107351.